The following is an entry in ClinVar:

NM_005422.4(TECTA):c.1893C>A (p.Cys631Ter)

Genes: TBCEL-TECTA (TBCEL-TECTA readthrough; plus strand), TECTA (tectorin alpha; plus strand). Cytogenetic location: 11q23.3.
Variant type: single nucleotide variant.
Coding change: c.1893C>A on transcript NM_005422.4 (MANE Select); coding-DNA position 1893, C replaced by A.
Protein change: p.Cys631Ter; replaces cysteine 631 with a stop codon.
Molecular consequence: nonsense.
Genome position (GRCh38, 1-based): chr11:121,127,870, C>A. VCF-style: chr11-121127870-C-A. GRCh37 (hg19) VCF-style: chr11-120998579-C-A.
Other names: c.2850C>A, p.Cys950Ter (NM_001378761.1); c.1893C>A (NM_005422.2); short protein forms C631*, C950*.
Identifiers: ClinVar variation 498103 (VCV000498103.7), dbSNP rs1555123909, ClinGen allele CA383013534.
Genomic context (GRCh38, chr11:121,127,870, plus strand): 5'-CGACACATGCTCCGACCTGACGGCCTCGCGGAACTGCGCCACGCCGTGCACAGAGGGCTG[C>A]GAGTGCAACCAGGGCTTCGTCCTCAGCACCAGCCAGTGCGTCCCTCTGCACAAGTGCGGC-3'

ClinVar aggregate classification (germline): Pathogenic. Review status: criteria provided, multiple submitters, no conflicts (2 of 4 stars). 3 submissions from 3 submitters: Pathogenic (3). Last evaluated 2025-01-27.

Conditions:
Autosomal dominant nonsyndromic hearing loss 12. Also called: DEAFNESS, AUTOSOMAL DOMINANT 8. Identifiers: Orphanet 90635, MedGen C1832187, MONDO:0011102, OMIM 601543.
Autosomal recessive nonsyndromic hearing loss 21. Identifiers: Orphanet 90636, MedGen C1863655, MONDO:0011351, OMIM 603629.
TECTA-related disorder. Also called: TECTA-related condition.

Submissions (3):

PreventionGenetics, part of Exact Sciences
Classification: Pathogenic for TECTA-related condition. Last evaluated: 2025-01-27. Review status: criteria provided, single submitter. Criteria: ACMG Guidelines, 2015. Collection method: clinical testing. Allele origin: germline.
Comment: The TECTA c.1893C>A variant is predicted to result in premature protein termination (p.Cys631*). This variant was reported in the homozygous state in an individual with hearing loss (Zhou et al. 2019. PubMed ID: 30703234). This variant has not been reported in a large population database (gnomAD), indicating this variant is rare. Nonsense variants in TECTA are expected to be pathogenic. This variant is interpreted as pathogenic.

Eurofins Ntd Llc (ga)
Classification: Pathogenic. Last evaluated: 2016-12-08. Review status: criteria provided, single submitter. Criteria: EGL Classification Definitions 2015. Collection method: clinical testing. Allele origin: germline. Observed: 1 variant allele, 1 heterozygote.

Juno Genomics, Hangzhou Juno Genomics, Inc
Classification: Pathogenic for Autosomal dominant nonsyndromic hearing loss 12; Autosomal recessive nonsyndromic hearing loss 21. Review status: criteria provided, single submitter. Criteria: ACMG Guidelines, 2015. Collection method: clinical testing. Allele origin: germline.
Comment: Absent from controls (or at extremely low frequency if recessive) in Genome Aggregation Database.;Null variant in a gene where loss of function (LOF) is a known mechanism of disease.;For recessive disorders, detected in trans with a pathogenic variant.